The following is an entry in ClinVar:

NM_006904.7(PRKDC):c.1417C>T (p.Pro473Ser)

Gene: PRKDC (protein kinase, DNA-activated, catalytic subunit; minus strand). Cytogenetic location: 8q11.21.
Variant type: single nucleotide variant.
Coding change: c.1417C>T on transcript NM_006904.7 (MANE Select); coding-DNA position 1417, C replaced by T.
Protein change: p.Pro473Ser; replaces proline 473 with serine.
Molecular consequence: missense variant.
Genome position (GRCh38, 1-based): chr8:47,935,762, G>A on the plus strand (C>T on the coding strand, the complement: PRKDC is on the minus strand). VCF-style: chr8-47935762-G-A. GRCh37 (hg19) VCF-style: chr8-48848322-G-A.
Other names: c.1417C>T, p.Pro473Ser (NM_001081640.2); short protein forms P473S.
Identifiers: ClinVar variation 3310160 (VCV003310160.1).

ClinVar aggregate classification (germline): Uncertain significance (1 of 4 stars; one submission).

Submission:

Ambry Genetics
Classification: Uncertain significance. Last evaluated: 2024-05-25. Review status: criteria provided, single submitter. Criteria: Ambry Variant Classification Scheme 2023. Collection method: clinical testing. Allele origin: germline.
Comment: The p.P473S variant (also known as c.1417C>T), located in coding exon 13 of the PRKDC gene, results from a C to T substitution at nucleotide position 1417. The proline at codon 473 is replaced by serine, an amino acid with similar properties. This amino acid position is conserved. In addition, this alteration is predicted to be tolerated by in silico analysis. Based on the available evidence, the clinical significance of this variant remains unclear.